The following is an entry in ClinVar:

ClinVar aggregate classification (germline): Conflicting classifications of pathogenicity. Review status: criteria provided, conflicting classifications (1 of 4 stars). 3 submissions from 3 submitters: Uncertain significance (1); Likely benign (1). 1 of the submissions does not count toward it. Last evaluated 2024-03-19.

Conditions:
ATP8B1-related disorder. Also called: ATP8B1-related disorders; ATP8B1-related condition.

Allele frequency attached by ClinVar (database versions not stated): gnomAD 0.00002 and 0.00001; TOPMed 0.00003; gnomAD exomes 0.00004 and 0.00001; ExAC 0.00006; 1000 Genomes Project 30x 0.00031; 1000 Genomes Project 0.00040.
gnomAD v4.1: 15 of 1,613,946 alleles (0.00093%); highest among the groups gnomAD compares: East Asian, 0.02%; no homozygotes.

Submissions (3):

Labcorp Genetics (formerly Invitae), Labcorp
Classification: Likely benign. Last evaluated: 2024-03-19. Review status: criteria provided, single submitter. Criteria: Invitae Variant Classification Sherloc (09022015). Collection method: clinical testing. Allele origin: germline.

Eurofins Ntd Llc (ga)
Classification: Uncertain significance. Last evaluated: 2018-02-22. Review status: criteria provided, single submitter. Criteria: EGL ClinVar v180209 classification definitions. Collection method: clinical testing. Allele origin: germline. Observed: 2 variant alleles, 2 heterozygotes.

PreventionGenetics, part of Exact Sciences
Classification: Likely benign for ATP8B1-related condition. Last evaluated: 2021-07-21. Review status: no assertion criteria provided. Collection method: clinical testing. Allele origin: germline. Not counted in ClinVar's aggregate classification.
Comment: This variant is classified as likely benign based on ACMG/AMP sequence variant interpretation guidelines (Richards et al. 2015 PMID: 25741868, with internal and published modifications).

NM_001374385.1(ATP8B1):c.549T>C (p.Asp183=)

Gene: ATP8B1 (ATPase phospholipid transporting 8B1; minus strand). Cytogenetic location: 18q21.31.
Variant type: single nucleotide variant.
Coding change: c.549T>C on transcript NM_001374385.1 (MANE Select); coding-DNA position 549, T replaced by C.
Protein change: p.Asp183=; no amino-acid change (aspartic acid 183 retained).
Molecular consequence: synonymous variant.
Genome position (GRCh38, 1-based): chr18:57,701,044, A>G on the plus strand (T>C on the coding strand, the complement: ATP8B1 is on the minus strand). VCF-style: chr18-57701044-A-G. GRCh37 (hg19) VCF-style: chr18-55368276-A-G.
Other names: c.549T>C (NM_005603.4); c.399T>C, p.Asp133= (NM_001374386.1); c.549T>C, p.Asp183= (NM_005603.6).
Identifiers: ClinVar variation 283584 (VCV000283584.10), dbSNP rs201160977, ClinGen allele CA8974815.